The following is an entry in ClinVar:

NM_017882.3(CLN6):c.119C>A (p.Thr40Lys)

Gene: CLN6 (CLN6 transmembrane ER protein; minus strand). Cytogenetic location: 15q23.
Variant type: single nucleotide variant.
Coding change: c.119C>A on transcript NM_017882.3 (MANE Select); coding-DNA position 119, C replaced by A.
Protein change: p.Thr40Lys; replaces threonine 40 with lysine.
Molecular consequence: missense variant.
Genome position (GRCh38, 1-based): chr15:68,218,615, G>T on the plus strand (C>A on the coding strand, the complement: CLN6 is on the minus strand). VCF-style: chr15-68218615-G-T. GRCh37 (hg19) VCF-style: chr15-68510953-G-T.
Other names: short protein forms T40K.
Identifiers: ClinVar variation 836465 (VCV000836465.3), dbSNP rs769199442, ClinGen allele CA7630706.

ClinVar aggregate classification (germline): Uncertain significance (1 of 4 stars; one submission).

Conditions:
Neuronal ceroid lipofuscinosis. Also called: Neuronal Ceroid Lipofuscinoses. Identifiers: Orphanet 216, Orphanet 79263, MedGen C0027877, MONDO:0016295. Disease mechanism: loss of function.

Allele frequency attached by ClinVar (database versions not stated): TOPMed 0.00001.
gnomAD v4.1: 4 of 1,613,718 alleles (0.00025%); highest among the groups gnomAD compares: East Asian, 0.0089%; no homozygotes.

Submission:

Labcorp Genetics (formerly Invitae), Labcorp
Classification: Uncertain significance for Neuronal ceroid lipofuscinosis. Last evaluated: 2022-09-01. Review status: criteria provided, single submitter. Criteria: Invitae Variant Classification Sherloc (09022015). Collection method: clinical testing. Allele origin: germline.
Comment: This sequence change replaces threonine, which is neutral and polar, with lysine, which is basic and polar, at codon 40 of the CLN6 protein (p.Thr40Lys). This variant is present in population databases (rs769199442, gnomAD 0.03%). This variant has not been reported in the literature in individuals affected with CLN6-related conditions. ClinVar contains an entry for this variant (Variation ID: 836465). Algorithms developed to predict the effect of missense changes on protein structure and function are either unavailable or do not agree on the potential impact of this missense change (SIFT: "Deleterious"; PolyPhen-2: "Benign"; Align-GVGD: "Class C15"). In summary, the available evidence is currently insufficient to determine the role of this variant in disease. Therefore, it has been classified as a Variant of Uncertain Significance.